The following is an entry in ClinVar:

NM_007347.5(AP4E1):c.1931A>G (p.His644Arg)

Gene: AP4E1 (adaptor related protein complex 4 subunit epsilon 1; plus strand). Cytogenetic location: 15q21.2.
Variant type: single nucleotide variant.
Coding change: c.1931A>G on transcript NM_007347.5 (MANE Select); coding-DNA position 1931, A replaced by G.
Protein change: p.His644Arg; replaces histidine 644 with arginine.
Molecular consequence: missense variant.
Genome position (GRCh38, 1-based): chr15:50,968,342, A>G. VCF-style: chr15-50968342-A-G. GRCh37 (hg19) VCF-style: chr15-51260539-A-G.
Other names: c.1706A>G, p.His569Arg (NM_001252127.2); short protein forms H569R, H644R.
Identifiers: ClinVar variation 1337550 (VCV001337550.4), dbSNP rs1470099420, ClinGen allele CA392417570.

ClinVar aggregate classification (germline): Uncertain significance (1 of 4 stars; one submission).

Allele frequency attached by ClinVar (database versions not stated): gnomAD exomes below 0.00001.
gnomAD v4.1: 1 of 1,613,616 alleles (0.000062%); highest among the groups gnomAD compares: Non-Finnish European, 0.000085%; no homozygotes.

Submission:

Genetic Services Laboratory, University of Chicago
Classification: Uncertain significance. Last evaluated: 2020-02-28. Review status: criteria provided, single submitter. Criteria: ACMG Guidelines, 2015. Collection method: clinical testing. Allele origin: germline. Affected: no.
Comment: DNA sequence analysis of the AP4E1 gene demonstrated a sequence change, c.1931A>G, in exon 15 that results in an amino acid change, p.His644Arg. This sequence change does not appear to have been previously described in patients with AP4E1-related disorders and has been described in the gnomAD database in one individual (dbSNP rs1470099420). The p.His644Arg change affects a moderately conserved amino acid residue located in a domain of the AP4E1 protein that is known to be functional. In-silico pathogenicity prediction tools (SIFT, PolyPhen2, Align GVGD, REVEL) provide contradictory results for the p.His644Arg substitution. Due to these contrasting evidences and the lack of functional studies, the clinical significance of the p.His644Arg change remains unknown at this time.